The following is an entry in ClinVar:

NC_000002.11:g.(?_79740059)_(80875994_?)del

Genes: CTNNA2 (catenin alpha 2; plus strand), LRRTM1 (leucine rich repeat transmembrane neuronal 1; minus strand). Cytogenetic location: 2p12.
Variant type: Deletion.
Identifiers: ClinVar variation 2577041 (VCV002577041.1).

ClinVar aggregate classification (germline): Pathogenic (1 of 4 stars; one submission).

Conditions:
Cortical dysplasia, complex, with other brain malformations 9. Identifiers: MedGen C4748540, MONDO:0032578, OMIM 618174.

Submission:

Women's Health and Genetics/Laboratory Corporation of America, LabCorp
Classification: Pathogenic for Cortical dysplasia, complex, with other brain malformations 9. Last evaluated: 2023-07-10. Review status: criteria provided, single submitter. Criteria: LabCorp Variant Classification Summary - May 2015. Collection method: clinical testing. Allele origin: germline.
Comment: Variant summary: The variant identified by MLPA or other technology involves the deletion of exons 1-18 (i.e., the full coding sequence) of the CTNNA2 gene. A presumed nomenclature of c.(?_-280)_(*997_?)del has been designated for the purposes of this classification. The variant was absent in 21694 control chromosomes (gnomAD, Structural Variants dataset). To our knowledge, no occurrence of c.(?_-280)_(*997_?)del in individuals affected with Cortical Dysplasia, Complex, With Other Brain Malformations 9 and no experimental evidence demonstrating its impact on protein function have been reported. No submitters have cited clinical-significance assessments for this variant to ClinVar after 2014. Based on the evidence outlined above, the variant was classified as pathogenic.